The following is an entry in ClinVar:

NM_000252.3(MTM1):c.156A>G (p.Ile52Met)

Gene: MTM1 (myotubularin 1; plus strand). Cytogenetic location: Xq28.
Variant type: single nucleotide variant.
Coding change: c.156A>G on transcript NM_000252.3 (MANE Select); coding-DNA position 156, A replaced by G.
Protein change: p.Ile52Met; replaces isoleucine 52 with methionine.
Molecular consequence: missense variant.
Genome position (GRCh38, 1-based): chrX:150,598,611, A>G. VCF-style: chrX-150598611-A-G. GRCh37 (hg19) VCF-style: chrX-149767075-A-G.
Other names: c.156A>G, p.Ile52Met (NM_001376906.1, NM_001376907.1, NM_001376908.1); short protein forms I52M.
Identifiers: ClinVar variation 2877864 (VCV002877864.3), dbSNP rs2522136244, ClinGen allele CA415251272.

ClinVar aggregate classification (germline): Uncertain significance (1 of 4 stars; one submission).

Conditions:
Severe X-linked myotubular myopathy (CNMX). Also called: X-linked centronuclear myopathy; MYOTUBULAR MYOPATHY 1; Myotubular myopathy, X-linked. Identifiers: Orphanet 596, MedGen C0410203, MONDO:0010683, OMIM 310400.

Submission:

Labcorp Genetics (formerly Invitae), Labcorp
Classification: Uncertain significance for Severe X-linked myotubular myopathy. Last evaluated: 2022-11-01. Review status: criteria provided, single submitter. Criteria: Invitae Variant Classification Sherloc (09022015). Collection method: clinical testing. Allele origin: germline.
Comment: In summary, the available evidence is currently insufficient to determine the role of this variant in disease. Therefore, it has been classified as a Variant of Uncertain Significance. This variant is not present in population databases (gnomAD no frequency). This sequence change replaces isoleucine, which is neutral and non-polar, with methionine, which is neutral and non-polar, at codon 52 of the MTM1 protein (p.Ile52Met). This variant has not been reported in the literature in individuals affected with MTM1-related conditions. Algorithms developed to predict the effect of missense changes on protein structure and function (SIFT, PolyPhen-2, Align-GVGD) all suggest that this variant is likely to be tolerated.